The following is an entry in ClinVar:

NM_007294.4(BRCA1):c.2982T>A (p.Cys994Ter)

Gene: BRCA1 (BRCA1 DNA repair associated; minus strand). Cytogenetic location: 17q21.31.
Variant type: single nucleotide variant.
Coding change: c.2982T>A on transcript NM_007294.4 (MANE Select); coding-DNA position 2982, T replaced by A.
Protein change: p.Cys994Ter; replaces cysteine 994 with a stop codon.
Molecular consequence: nonsense. On other transcripts: intron variant (137).
Genome position (GRCh38, 1-based): chr17:43,092,549, A>T on the plus strand (T>A on the coding strand, the complement: BRCA1 is on the minus strand). VCF-style: chr17-43092549-A-T. GRCh37 (hg19) VCF-style: chr17-41244566-A-T.
Other names: c.2982T>A, p.Cys994Ter (NM_001407858.1, NM_001407859.1, NM_001407581.1 and 30 more transcripts); c.2979T>A, p.Cys993Ter (NM_001407860.1, NM_001407861.1, NM_001407587.1 and 22 more transcripts); c.2781T>A, p.Cys927Ter (NM_001407862.1); c.2778T>A, p.Cys926Ter (NM_001407874.1, NM_001407875.1); c.2772T>A, p.Cys924Ter (NM_001407879.1, NM_001407881.1, NM_001407882.1 and 13 more transcripts); c.2769T>A, p.Cys923Ter (NM_001407894.1, NM_001407895.1, NM_001407896.1 and 9 more transcripts); c.2859T>A, p.Cys953Ter (NM_001407863.1, NM_001407648.1, NM_001407664.1 and 19 more transcripts); c.665-1517T>A (NM_001408425.1, NM_001408440.1, NM_001408428.1 and 12 more transcripts); and 41 more; short protein forms C698*, C906*, C924*, C927*, C947*, C952*, C953*, C967*.
Identifiers: ClinVar variation 1798415 (VCV001798415.2), dbSNP rs2154349081, ClinGen allele CA10596035.

ClinVar aggregate classification (germline): Pathogenic (1 of 4 stars; one submission).

Conditions:
Hereditary cancer-predisposing syndrome. Also called: Neoplastic Syndromes, Hereditary; Tumor predisposition; Hereditary Cancer Syndrome; Hereditary neoplastic syndrome. Identifiers: Orphanet 140162, MedGen C0027672, MeSH D009386, MONDO:0015356.

Submission:

Ambry Genetics
Classification: Pathogenic for Hereditary cancer-predisposing syndrome. Last evaluated: 2020-08-19. Review status: criteria provided, single submitter. Criteria: Ambry Variant Classification Scheme 2023. Collection method: clinical testing. Allele origin: germline.
Comment: The p.C994* pathogenic mutation (also known as c.2982T>A), located in coding exon 9 of the BRCA1 gene, results from a T to A substitution at nucleotide position 2982. This changes the amino acid from a cysteine to a stop codon within coding exon 9. In addition to the clinical data presented in the literature, this alteration is expected to result in loss of function by premature protein truncation or nonsense-mediated mRNA decay. As such, this alteration is interpreted as a disease-causing mutation.

Literature cited by the submitters: PubMed 27553291; PubMed 29339979; PubMed 31528241.